The following is an entry in ClinVar:

NM_001375808.2(LPIN2):c.2336T>C (p.Ile779Thr)

Gene: LPIN2 (lipin 2; minus strand). Cytogenetic location: 18p11.31.
Variant type: single nucleotide variant.
Coding change: c.2336T>C on transcript NM_001375808.2 (MANE Select); coding-DNA position 2336, T replaced by C.
Protein change: p.Ile779Thr; replaces isoleucine 779 with threonine.
Molecular consequence: missense variant.
Genome position (GRCh38, 1-based): chr18:2,921,639, A>G on the plus strand (T>C on the coding strand, the complement: LPIN2 is on the minus strand). VCF-style: chr18-2921639-A-G. GRCh37 (hg19) VCF-style: chr18-2921637-A-G.
Other names: c.2336T>C, p.Ile779Thr (NM_001375809.1, NM_014646.2); short protein forms I779T.
Identifiers: ClinVar variation 1039272 (VCV001039272.9), dbSNP rs2077055890, ClinGen allele CA401696135.

ClinVar aggregate classification (germline): Uncertain significance (1 of 4 stars; one submission).

Conditions:
Majeed syndrome (MJDS). Also called: LPIN2-Related Majeed Syndrome; CHRONIC RECURRENT MULTIFOCAL OSTEOMYELITIS 1, WITH CONGENITAL DYSERYTHROPOIETIC ANEMIA, WITH OR WITHOUT NEUTROPHILIC DERMATOSIS. Identifiers: Orphanet 77297, MedGen C1864997, MONDO:0012316, OMIM 609628.

Submission:

Labcorp Genetics (formerly Invitae), Labcorp
Classification: Uncertain significance for Majeed syndrome. Last evaluated: 2020-04-30. Review status: criteria provided, single submitter. Criteria: Invitae Variant Classification Sherloc (09022015). Collection method: clinical testing. Allele origin: germline.
Comment: In summary, the available evidence is currently insufficient to determine the role of this variant in disease. Therefore, it has been classified as a Variant of Uncertain Significance. Algorithms developed to predict the effect of missense changes on protein structure and function (SIFT, PolyPhen-2, Align-GVGD) all suggest that this variant is likely to be disruptive, but these predictions have not been confirmed by published functional studies and their clinical significance is uncertain. This variant has not been reported in the literature in individuals with LPIN2-related conditions. This variant is not present in population databases (ExAC no frequency). This sequence change replaces isoleucine with threonine at codon 779 of the LPIN2 protein (p.Ile779Thr). The isoleucine residue is highly conserved and there is a moderate physicochemical difference between isoleucine and threonine.